The following is an entry in ClinVar:

ClinVar aggregate classification (germline): Uncertain significance (1 of 4 stars; one submission).

Conditions:
Cardiovascular phenotype. Identifiers: MedGen CN230736.

Submission:

Ambry Genetics
Classification: Uncertain significance for Cardiovascular phenotype. Last evaluated: 2025-10-29. Review status: criteria provided, single submitter. Criteria: Ambry Variant Classification Scheme 2023. Collection method: clinical testing. Allele origin: germline.
Comment: The p.V3218A variant (also known as c.9653T>C), located in coding exon 38 of the ANK2 gene, results from a T to C substitution at nucleotide position 9653. The valine at codon 3218 is replaced by alanine, an amino acid with similar properties. This amino acid position is conserved. In addition, this alteration is predicted to be tolerated by in silico analysis. Based on the available evidence, the clinical significance of this variant remains unclear.

NM_001148.6(ANK2):c.9653T>C (p.Val3218Ala)

Gene: ANK2 (ankyrin 2; plus strand). Cytogenetic location: 4q26.
Variant type: single nucleotide variant.
Coding change: c.9653T>C on transcript NM_001148.6 (MANE Select); coding-DNA position 9653, T replaced by C.
Protein change: p.Val3218Ala; replaces valine 3218 with alanine.
Molecular consequence: missense variant. On other transcripts: intron variant (68).
Genome position (GRCh38, 1-based): chr4:113,358,271, T>C. VCF-style: chr4-113358271-T-C. GRCh37 (hg19) VCF-style: chr4-114279427-T-C.
Other names: c.9419T>C, p.Val3140Ala (NM_001386142.1); c.6053T>C, p.Val2018Ala (NM_001386166.1); c.9794T>C, p.Val3265Ala (NM_001386174.1); c.9770T>C, p.Val3257Ala (NM_001386175.1); c.4412-2552T>C (NM_001386186.2, NM_001386148.2); c.4214-2552T>C (NM_001354269.3); c.4292-2552T>C (NM_001386187.2); c.4253-2552T>C (NM_001386147.1); and 35 more; short protein forms V3218A, V3265A, V2018A, V3257A, V3140A.
Identifiers: ClinVar variation 4613556 (VCV004613556.1).